The following is an entry in ClinVar:

NM_198503.5(KCNT2):c.1142G>C (p.Cys381Ser)

Gene: KCNT2 (potassium sodium-activated channel subfamily T member 2; minus strand). Cytogenetic location: 1q31.3.
Variant type: single nucleotide variant.
Coding change: c.1142G>C on transcript NM_198503.5 (MANE Select); coding-DNA position 1142, G replaced by C.
Protein change: p.Cys381Ser; replaces cysteine 381 with serine.
Molecular consequence: missense variant. On other transcripts: non-coding transcript variant (2).
Genome position (GRCh38, 1-based): chr1:196,423,093, C>G on the plus strand (G>C on the coding strand, the complement: KCNT2 is on the minus strand). VCF-style: chr1-196423093-C-G. GRCh37 (hg19) VCF-style: chr1-196392223-C-G.
Other names: c.1142G>C, p.Cys381Ser (NM_001287819.3, NM_001287820.3); short protein forms C381S.
Identifiers: ClinVar variation 3776022 (VCV003776022.1).

ClinVar aggregate classification (germline): Uncertain significance (1 of 4 stars; one submission).

Conditions:
Developmental and epileptic encephalopathy, 57. Also called: EPILEPTIC ENCEPHALOPATHY, EARLY INFANTILE, 57. Identifiers: MedGen C4540411, MONDO:0033366, OMIM 617771.

gnomAD v4.1: 2 of 1,603,772 alleles (0.00012%); highest among the groups gnomAD compares: South Asian, 0.0022%; no homozygotes.

Submission:

3billion
Classification: Uncertain significance for Developmental and epileptic encephalopathy, 57. Last evaluated: 2023-06-12. Review status: criteria provided, single submitter. Criteria: ACMG Guidelines, 2015. Collection method: clinical testing. Allele origin: germline. Affected: yes.
Comment: The variant is not observed in the gnomAD v2.1.1 dataset. Predicted Consequence/Location: Missense changes are a common disease-causing mechanism. In silico tool predictions suggest damaging effect of the variant on gene or gene product (REVEL: 0.81; 3Cnet: 0.71). Therefore, this variant is classified as VUS according to the recommendation of ACMG/AMP guideline.